The following is an entry in ClinVar:

ClinVar aggregate classification (germline): Likely benign (1 of 4 stars; one submission).

Conditions:
SEMA3D-related disorder. Also called: SEMA3D-related condition.

gnomAD v4.1: 1 of 1,613,972 alleles (0.000062%); highest among the groups gnomAD compares: African/African-American, 0.0013%; no homozygotes.

Submission:

PreventionGenetics, part of Exact Sciences
Classification: Likely benign for SEMA3D-related condition. Last evaluated: 2026-06-01. Review status: criteria provided, single submitter. Criteria: ACMG Guidelines, 2015. Collection method: clinical testing. Allele origin: germline.
Comment: This variant is classified as likely benign based on ACMG/AMP sequence variant interpretation guidelines (Richards et al. 2015 PMID: 25741868, with internal and published modifications).

NM_001384900.1(SEMA3D):c.1995C>T (p.Cys665=)

Genes: SEMA3D (semaphorin 3D; minus strand), LOC126860094 (BRD4-independent group 4 enhancer GRCh37_chr7:84628763-84629962; plus strand). Cytogenetic location: 7q21.11.
Variant type: single nucleotide variant.
Coding change: c.1995C>T on transcript NM_001384900.1 (MANE Select); coding-DNA position 1995, C replaced by T.
Protein change: p.Cys665=; no amino-acid change (cysteine 665 retained).
Molecular consequence: synonymous variant.
Genome position (GRCh38, 1-based): chr7:84,999,779, G>A on the plus strand (C>T on the coding strand, the complement: SEMA3D is on the minus strand). VCF-style: chr7-84999779-G-A. GRCh37 (hg19) VCF-style: chr7-84629095-G-A.
Other names: c.1995C>T, p.Cys665= (NM_001384901.1, NM_001384902.1, NM_001384903.1 and 1 more transcripts).
Identifiers: ClinVar variation 4985302 (VCV004985302.1).